The following is an entry in ClinVar:

NM_001846.4(COL4A2):c.2917C>A (p.Pro973Thr)

Gene: COL4A2 (collagen type IV alpha 2 chain; plus strand). Cytogenetic location: 13q34.
Variant type: single nucleotide variant.
Coding change: c.2917C>A on transcript NM_001846.4 (MANE Select); coding-DNA position 2917, C replaced by A.
Protein change: p.Pro973Thr; replaces proline 973 with threonine.
Molecular consequence: missense variant.
Genome position (GRCh38, 1-based): chr13:110,484,919, C>A. VCF-style: chr13-110484919-C-A. GRCh37 (hg19) VCF-style: chr13-111137266-C-A.
Other names: short protein forms P973T.
Identifiers: ClinVar variation 4769549 (VCV004769549.1).
Genomic context (GRCh38, chr13:110,484,919, plus strand): 5'-GTGGTCTGGAGCCCCCAGAAAATGACAGCACTCTATTCCCTTCCAGGCAGCCGAGGGGAC[C>A]CTGGGCCCCCAGGACCACCTCCTGTCATCCTGCCAGGAATGAAAGACATTAAAGGAGAGA-3'
Protein context (NP_001837.2, residues 963-983): EPGFKGSRGD[Pro973Thr]GPPGPPPVIL

ClinVar aggregate classification (germline): Uncertain significance (1 of 4 stars; one submission).

gnomAD v4.1: 10 of 1,611,520 alleles (0.00062%); highest among the groups gnomAD compares: Non-Finnish European, 0.00085%; no homozygotes.

Submission:

Labcorp Genetics (formerly Invitae), Labcorp
Classification: Uncertain significance. Last evaluated: 2025-08-25. Review status: criteria provided, single submitter. Criteria: Invitae Variant Classification Sherloc (09022015). Collection method: clinical testing. Allele origin: germline.
Comment: This sequence change replaces proline, which is neutral and non-polar, with threonine, which is neutral and polar, at codon 973 of the COL4A2 protein (p.Pro973Thr). This variant is not present in population databases (gnomAD no frequency). This variant has not been reported in the literature in individuals affected with COL4A2-related conditions. Invitae Evidence Modeling of protein sequence and biophysical properties (such as structural, functional, and spatial information, amino acid conservation, physicochemical variation, residue mobility, and thermodynamic stability) indicates that this missense variant is not expected to disrupt COL4A2 protein function with a negative predictive value of 95%. In summary, the available evidence is currently insufficient to determine the role of this variant in disease. Therefore, it has been classified as a Variant of Uncertain Significance.